The following is an entry in ClinVar:

NM_000797.4(DRD4):c.938C>G (p.Pro313Arg)

Gene: DRD4 (dopamine receptor D4; plus strand). Cytogenetic location: 11p15.5.
Variant type: single nucleotide variant.
Coding change: c.938C>G on transcript NM_000797.4 (MANE Select); coding-DNA position 938, C replaced by G.
Protein change: p.Pro313Arg; replaces proline 313 with arginine.
Molecular consequence: missense variant.
Genome position (GRCh38, 1-based): chr11:640,187, C>G. VCF-style: chr11-640187-C-G. GRCh37 (hg19) VCF-style: chr11-640187-C-G.
Other names: short protein forms P313R.
Identifiers: ClinVar variation 4872149 (VCV004872149.2).
Genomic context (GRCh38, chr11:640,187, plus strand): 5'-ACTGTGCGCCCCCCGCGCCCGGCCTCCCCCCGGACCCCTGCGGCTCCAACTGTGCTCCCC[C>G]CGACGCCGTCAGAGCCGCCGCGCTCCCACCCCAGACTCCACCGCAGACCCGCAGGAGGCG-3'
Protein context (NP_000788.2, residues 303-323): PDPCGSNCAP[Pro313Arg]DAVRAAALPP

ClinVar aggregate classification (germline): Likely benign (1 of 4 stars; one submission).

Submission:

CeGaT Center for Human Genetics Tuebingen
Classification: Likely benign. Last evaluated: 2026-04-01. Review status: criteria provided, single submitter. Criteria: CeGaT Center For Human Genetics Tuebingen Variant Classification Criteria Version 2. Collection method: clinical testing. Allele origin: germline. Affected: yes. Observed: 1 variant allele.
Comment: DRD4: BS2